The following is an entry in ClinVar:

NM_001291415.2(KDM6A):c.644A>G (p.Tyr215Cys)

Gene: KDM6A (lysine demethylase 6A; plus strand). Cytogenetic location: Xp11.3.
Variant type: single nucleotide variant.
Coding change: c.644A>G on transcript NM_001291415.2 (MANE Select); coding-DNA position 644, A replaced by G.
Protein change: p.Tyr215Cys; replaces tyrosine 215 with cysteine.
Molecular consequence: missense variant. On other transcripts: 5 prime UTR variant (1), non-coding transcript variant (1).
Genome position (GRCh38, 1-based): chrX:45,037,679, A>G. VCF-style: chrX-45037679-A-G. GRCh37 (hg19) VCF-style: chrX-44896924-A-G.
Other names: c.644A>G, p.Tyr215Cys (NM_001291416.2, NM_001291417.2, NM_001291418.2 and 9 more transcripts); c.-110A>G (NM_001291421.2); short protein forms Y215C.
Identifiers: ClinVar variation 3705469 (VCV003705469.2).

ClinVar aggregate classification (germline): Uncertain significance (1 of 4 stars; one submission).

Conditions:
Kabuki syndrome 2 (KABUK2). Also called: KDM6A-Related Kabuki Syndrome. Identifiers: Orphanet 2322, MedGen C3275495, MONDO:0010465, OMIM 300867.

gnomAD v4.1: 2 of 1,198,627 alleles (0.00017%); highest among the groups gnomAD compares: Non-Finnish European, 0.00023%; no homozygotes.

Submission:

Labcorp Genetics (formerly Invitae), Labcorp
Classification: Uncertain significance for Kabuki syndrome 2. Last evaluated: 2024-04-10. Review status: criteria provided, single submitter. Criteria: Invitae Variant Classification Sherloc (09022015). Collection method: clinical testing. Allele origin: germline.
Comment: This sequence change replaces tyrosine, which is neutral and polar, with cysteine, which is neutral and slightly polar, at codon 215 of the KDM6A protein (p.Tyr215Cys). This variant is not present in population databases (gnomAD no frequency). This variant has not been reported in the literature in individuals affected with KDM6A-related conditions. Advanced modeling of protein sequence and biophysical properties (such as structural, functional, and spatial information, amino acid conservation, physicochemical variation, residue mobility, and thermodynamic stability) has been performed at Invitae for this missense variant, however the output from this modeling did not meet the statistical confidence thresholds required to predict the impact of this variant on KDM6A protein function. In summary, the available evidence is currently insufficient to determine the role of this variant in disease. Therefore, it has been classified as a Variant of Uncertain Significance.